The following is an entry in ClinVar:

NM_004006.3(DMD):c.31+36947G>A

Gene: DMD (dystrophin; minus strand). Cytogenetic location: Xp21.1.
Variant type: single nucleotide variant.
Coding change: c.31+36947G>A on transcript NM_004006.3 (MANE Select); 36947 bases into the intron after coding-DNA position 31, G replaced by A.
Molecular consequence: intron variant.
Genome position (GRCh38, 1-based): chrX:33,174,335, C>T on the plus strand (G>A on the coding strand, the complement: DMD is on the minus strand). VCF-style: chrX-33174335-C-T. GRCh37 (hg19) VCF-style: chrX-33192452-C-T.
Other names: c.8-154135G>A (NM_000109.4).
Identifiers: ClinVar variation 281179 (VCV000281179.23), dbSNP rs886042106, ClinGen allele CA10603815.
Genomic context (GRCh38, chrX:33,174,335, plus strand): 5'-TGAGGAATGGTGAGTTTCCAGGTCACTGGAAACTGAAAGTCTCCTATGAACTCGAGAAGC[C>T]GCAAAACCAAGGAAGAGAAAGAGTAATTTTATAATAAATGTTGCTGTGGATTTCTTCATA-3'

ClinVar aggregate classification (germline): Pathogenic/Likely pathogenic. Review status: criteria provided, multiple submitters, no conflicts (2 of 4 stars). 9 submissions from 9 submitters: Pathogenic (3); Likely pathogenic (5). 1 of the submissions does not count toward it. Last evaluated 2026-08-12.

Conditions:
Duchenne muscular dystrophy (DMD). Also called: MUSCULAR DYSTROPHY, PSEUDOHYPERTROPHIC PROGRESSIVE, DUCHENNE TYPE; Duchenne Muscular Dystrophy (DMD). Identifiers: Orphanet 98896, MedGen C0013264, MONDO:0010679, OMIM 310200.
Becker muscular dystrophy (BMD). Also called: MUSCULAR DYSTROPHY, PSEUDOHYPERTROPHIC PROGRESSIVE, BECKER TYPE; Becker Muscular Dystrophy (BMD). Identifiers: Orphanet 98895, MedGen C0917713, MONDO:0010311, OMIM 300376.
Becker muscular dystrophy, Cardiomyopathy, Duchenne muscular dystrophy, Dystrophin deficiency.
Cardiovascular phenotype. Identifiers: MedGen CN230736.

Submissions (9):

GeneDx
Classification: Likely pathogenic. Last evaluated: 2026-08-12. Review status: criteria provided, single submitter. Criteria: GeneDx Variant Classification Process June 2021. Collection method: clinical testing. Allele origin: germline.
Comment: Published functional studies including Western blot analysis demonstrate that this defect results in greatly reduced expression of wild type protein and RNA studies show that the variant introduces a leaky splice acceptor site that results in the retention of a cryptic exon, that creates a frameshift which is predicted to result in a null allele (PMID: 17041906, 14659407); No data available from control populations to assess the frequency of this variant; This variant is associated with the following publications: (PMID: 19823873, 30907348, 14659407, 17041906, 33159473, 33101180, 40138663, 36048237, 33050418)

Natera, Inc.
Classification: Likely pathogenic for Becker muscular dystrophy, Cardiomyopathy, Duchenne muscular dystrophy, Dystrophin deficiency. Last evaluated: 2025-10-01. Review status: criteria provided, single submitter. Criteria: Natera Variant Classification Schema (03/2026). Collection method: clinical testing. Allele origin: germline.
Comment: The c.31+36947G>A variant in DMD is an intronic variant located outside the canonical splice sites. This variant is rare in the general population with a frequency below the threshold expected for the associated phenotype(s). This variant has been observed in affected individual(s) with monoallelic occurrence (heterozygous/hemizygous) (PMID: 14659407, 17041906, 33159473, 33101180, 30907348). Given the available evidence, this variant is classified as Likely Pathogenic.

Victorian Clinical Genetics Services, Murdoch Childrens Research Institute
Classification: Pathogenic for Becker muscular dystrophy. Last evaluated: 2025-07-25. Review status: criteria provided, single submitter. Criteria: ACMG Guidelines, 2015. Collection method: clinical testing. Allele origin: germline. Affected: no.
Comment: This variant is classified as Pathogenic. Evidence in support of pathogenic classification: Non-coding variant with known effect. Studies have shown that this variant results in altered splicing and introduces a premature termination codon. However, residual expression of normal length protein has been observed (PMID: 14659407, 17041906); Variant is absent from gnomAD (v2, v3 and v4); This variant has strong previous evidence of pathogenicity in unrelated individuals. This variant has been classified as pathogenic and likely pathogenic by multiple clinical laboratories (ClinVar). Additional information: This variant is heterozygous; This gene is associated with X-linked disease; No comparable non-coding variants have previous evidence for pathogenicity; In silico prediction for abnormal splicing and nucleotide conservation are conflicting; Loss of function is a known mechanism of disease in this gene and is associated with progressive muscular dystrophy (MONDO:0016106), DMD-related.

Labcorp Genetics (formerly Invitae), Labcorp
Classification: Pathogenic for Duchenne muscular dystrophy. Last evaluated: 2025-04-13. Review status: criteria provided, single submitter. Criteria: Invitae Variant Classification Sherloc (09022015). Collection method: clinical testing. Allele origin: germline.
Comment: This sequence change falls in intron 1 of the DMD gene. It does not directly change the encoded amino acid sequence of the DMD protein. RNA analysis indicates that this variant induces altered splicing and may result in an absent or altered protein product. The frequency data for this variant in the population databases is considered unreliable, as metrics indicate insufficient coverage at this position in the gnomAD database. This variant has been observed in individual(s) with Becker muscular dystrophy (PMID: 14659407, 17041906). This variant is also known as IVS1+36947G>A and IVS1M-154188G>A. ClinVar contains an entry for this variant (Variation ID: 281179). Studies have shown that this variant results in altered splicing, and produces a non-functional protein and/or introduces a premature termination codon (PMID: 14659407, 17041906). For these reasons, this variant has been classified as Pathogenic.

Revvity Omics, Revvity
Classification: Likely pathogenic. Last evaluated: 2024-02-06. Review status: criteria provided, single submitter. Criteria: ACMG Guidelines, 2015. Collection method: clinical testing. Allele origin: germline.

Baylor Genetics
Classification: Likely pathogenic for Becker muscular dystrophy. Last evaluated: 2023-03-04. Review status: criteria provided, single submitter. Criteria: ACMG Guidelines, 2015. Collection method: clinical testing. Allele origin: unknown.

Ambry Genetics
Classification: Likely pathogenic for Cardiovascular phenotype. Last evaluated: 2018-12-04. Review status: criteria provided, single submitter. Criteria: Ambry Variant Classification Scheme 2023. Collection method: clinical testing. Allele origin: germline.
Comment: The c.31+36947G>A intronic variant results from a G to A substitution 36947 nucleotides after coding exon 1 in the DMD gene. This nucleotide position is not well conserved in available vertebrate species. This alteration has been detected in two unrelated patients with Becker muscular dystrophy (BMD) (B&eacute;roud C et al. Neuromuscul. Disord., 2004 Jan;14:10-8; Deburgrave N et al. Hum. Mutat., 2007 Feb;28:183-95). This variant was not reported in population-based cohorts in the Genome Aggregation Database (gnomAD). Using the BDGP and ESEfinder in silico splicing prediction tools, this alteration is predicted to create a new alternate splice acceptor site. RNA studies indicate that this alteration results in the activation of a cryptic exon, resulting in the incorporation of 149 intronic nucleotides between exons 1 and 2, a frameshift, and a predicted alternate stop codon (B&eacute;roud C et al. Neuromuscul. Disord., 2004 Jan;14:10-8). Based on the majority of available evidence to date, this variant is likely to be pathogenic.

Eurofins Ntd Llc (ga)
Classification: Pathogenic. Last evaluated: 2018-03-22. Review status: criteria provided, single submitter. Criteria: EGL ClinVar v180209 classification definitions. Collection method: clinical testing. Allele origin: germline. Observed: 3 variant alleles, 3 hemizygotes.

Solve-RD Consortium
Classification: Pathogenic for Becker muscular dystrophy. Last evaluated: 2024-09-01. Review status: no assertion criteria provided. Collection method: research. Allele origin: de novo. Affected: yes. Study: Solve-RD Consortium. Not counted in ClinVar's aggregate classification.
Comment: The variant has previously been shown to cause Becker muscular dystrophy through the exonization of a 149 bp sequence within intron 1 of DMD (PMID: 31919629). This variant was confirmed by the submitting clinician to impact a gene that corresponds with the phenotype of the affected individual, and thus deemed to be causative for their condition.

Variant identified during long-read sequencing analysis of unsolved cases by the Solve-RD project. The Solve-RD project has received funding from the European Union’s Horizon 2020 research and innovation programme under grant agreement No 779257.

Literature cited by the submitters: PubMed 14659407 (cited by 5 submitters); PubMed 17041906 (cited by 5 submitters); PubMed 33159473 (cited by Natera, Inc. and Victorian Clinical Genetics Services, Murdoch Childrens Research Institute); PubMed 33101180 (cited by Natera, Inc.); PubMed 30907348 (cited by Natera, Inc.); PubMed 31919629 (cited by Solve-RD Consortium).